The following is an entry in ClinVar:

NM_004370.6(COL12A1):c.17C>T (p.Pro6Leu)

Gene: COL12A1 (collagen type XII alpha 1 chain; minus strand). Cytogenetic location: 6q14.1.
Variant type: single nucleotide variant.
Coding change: c.17C>T on transcript NM_004370.6 (MANE Select); coding-DNA position 17, C replaced by T.
Protein change: p.Pro6Leu; replaces proline 6 with leucine.
Molecular consequence: missense variant.
Genome position (GRCh38, 1-based): chr6:75,202,776, G>A on the plus strand (C>T on the coding strand, the complement: COL12A1 is on the minus strand). VCF-style: chr6-75202776-G-A. GRCh37 (hg19) VCF-style: chr6-75912492-G-A.
Other names: c.17C>T (NM_004370.5); c.17C>T, p.Pro6Leu (NM_001424113.1, NM_001424114.1, NM_001424115.1 and 2 more transcripts); short protein forms P6L.
Identifiers: ClinVar variation 2932321 (VCV002932321.4), dbSNP rs1228546649, ClinGen allele CA364734453.

ClinVar aggregate classification (germline): Uncertain significance. Review status: criteria provided, multiple submitters, no conflicts (2 of 4 stars). 2 submissions from 2 submitters: Uncertain significance (2). Last evaluated 2026-01-14.

Conditions:
Inborn genetic diseases. Identifiers: MedGen C0950123, MeSH D030342.
Bethlem myopathy 2 (BTHLM2). Identifiers: Orphanet 536516, Orphanet 610, MedGen C4225313, MONDO:0034022, OMIM 616471.
Ullrich congenital muscular dystrophy 2 (UCMD2). Identifiers: Orphanet 75840, MedGen C4225314, MONDO:0014654, OMIM 616470.

Allele frequency attached by ClinVar (database versions not stated): gnomAD exomes below 0.00001.
gnomAD v4.1: 2 of 1,551,848 alleles (0.00013%); highest among the groups gnomAD compares: Admixed American, 0.002%; no homozygotes.

Submissions (2):

Ambry Genetics
Classification: Uncertain significance for Inborn genetic diseases. Last evaluated: 2026-01-14. Review status: criteria provided, single submitter. Criteria: Ambry Variant Classification Scheme 2023. Collection method: clinical testing. Allele origin: germline.
Comment: The c.17C>T (p.P6L) alteration is located in exon 2 (coding exon 1) of the COL12A1 gene. This alteration results from a C to T substitution at nucleotide position 17, causing the proline (P) at amino acid position 6 to be replaced by a leucine (L). Based on data from gnomAD, the T allele has an overall frequency of 0.001% (1/154594) total alleles studied. The highest observed frequency was <0.001% (/) of alleles. Based on insufficient or conflicting evidence, the clinical significance of this alteration remains unclear.

Labcorp Genetics (formerly Invitae), Labcorp
Classification: Uncertain significance for Bethlem myopathy 2; Ullrich congenital muscular dystrophy 2. Last evaluated: 2024-03-01. Review status: criteria provided, single submitter. Criteria: Invitae Variant Classification Sherloc (09022015). Collection method: clinical testing. Allele origin: germline.
Comment: This sequence change replaces proline, which is neutral and non-polar, with leucine, which is neutral and non-polar, at codon 6 of the COL12A1 protein (p.Pro6Leu). This variant is present in population databases (no rsID available, gnomAD 0.004%). This variant has not been reported in the literature in individuals affected with COL12A1-related conditions. An algorithm developed to predict the effect of missense changes on protein structure and function (PolyPhen-2) suggests that this variant is likely to be tolerated. In summary, the available evidence is currently insufficient to determine the role of this variant in disease. Therefore, it has been classified as a Variant of Uncertain Significance.